The following is an entry in ClinVar:

ClinVar aggregate classification (germline): Uncertain significance (1 of 4 stars; one submission).

Conditions:
Hereditary cancer-predisposing syndrome. Also called: Neoplastic Syndromes, Hereditary; Tumor predisposition; Hereditary Cancer Syndrome; Hereditary neoplastic syndrome. Identifiers: Orphanet 140162, MedGen C0027672, MeSH D009386, MONDO:0015356.

Submission:

Ambry Genetics
Classification: Uncertain significance for Hereditary cancer-predisposing syndrome. Last evaluated: 2022-02-26. Review status: criteria provided, single submitter. Criteria: Ambry Variant Classification Scheme 2023. Collection method: clinical testing. Allele origin: germline.
Comment: The p.N111T variant (also known as c.332A>C), located in coding exon 3 of the EPCAM gene, results from an A to C substitution at nucleotide position 332. The asparagine at codon 111 is replaced by threonine, an amino acid with similar properties. This amino acid position is conserved. In addition, the in silico prediction for this alteration is inconclusive. Since supporting evidence is limited at this time, the clinical significance of this alteration remains unclear.

NM_002354.3(EPCAM):c.332A>C (p.Asn111Thr)

Gene: EPCAM (epithelial cell adhesion molecule; plus strand). Cytogenetic location: 2p21.
Variant type: single nucleotide variant.
Coding change: c.332A>C on transcript NM_002354.3 (MANE Select); coding-DNA position 332, A replaced by C.
Protein change: p.Asn111Thr; replaces asparagine 111 with threonine.
Molecular consequence: missense variant.
Genome position (GRCh38, 1-based): chr2:47,373,955, A>C. VCF-style: chr2-47373955-A-C. GRCh37 (hg19) VCF-style: chr2-47601094-A-C.
Other names: short protein forms N111T.
Identifiers: ClinVar variation 1730282 (VCV001730282.2), dbSNP rs373819791, ClinGen allele CA346723239.